The following is an entry in ClinVar:

NM_006231.4(POLE):c.6765C>G (p.Ile2255Met)

Gene: POLE (DNA polymerase epsilon, catalytic subunit; minus strand). Cytogenetic location: 12q24.33.
Variant type: single nucleotide variant.
Coding change: c.6765C>G on transcript NM_006231.4 (MANE Select); coding-DNA position 6765, C replaced by G.
Protein change: p.Ile2255Met; replaces isoleucine 2255 with methionine.
Molecular consequence: missense variant.
Genome position (GRCh38, 1-based): chr12:132,624,793, G>C on the plus strand (C>G on the coding strand, the complement: POLE is on the minus strand). VCF-style: chr12-132624793-G-C. GRCh37 (hg19) VCF-style: chr12-133201379-G-C.
Other names: short protein forms I2255M.
Identifiers: ClinVar variation 571754 (VCV000571754.13), dbSNP rs376336585, ClinGen allele CA387365868.

ClinVar aggregate classification (germline): Conflicting classifications of pathogenicity. Review status: criteria provided, conflicting classifications (1 of 4 stars). 3 submissions from 3 submitters: Uncertain significance (2); Likely benign (1). Last evaluated 2026-01-15.

Conditions:
Hereditary cancer-predisposing syndrome. Also called: Hereditary neoplastic syndrome; Tumor predisposition; Neoplastic Syndromes, Hereditary; Hereditary Cancer Syndrome. Identifiers: Orphanet 140162, MedGen C0027672, MeSH D009386, MONDO:0015356.

Allele frequency attached by ClinVar (database versions not stated): TOPMed 0.00001; gnomAD 0.00002 and 0.00003.
gnomAD v4.1: 8 of 1,612,284 alleles (0.0005%); highest among the groups gnomAD compares: African/African-American, 0.0067%; no homozygotes.

Submissions (3):

Labcorp Genetics (formerly Invitae), Labcorp
Classification: Uncertain significance. Last evaluated: 2026-01-15. Review status: criteria provided, single submitter. Criteria: Invitae Variant Classification Sherloc (09022015). Collection method: clinical testing. Allele origin: germline.
Comment: This sequence change replaces isoleucine, which is neutral and non-polar, with methionine, which is neutral and non-polar, at codon 2255 of the POLE protein (p.Ile2255Met). This variant is present in population databases (no rsID available, gnomAD 0.004%). This variant has not been reported in the literature in individuals affected with POLE-related conditions. ClinVar contains an entry for this variant (Variation ID: 571754). Invitae Evidence Modeling of protein sequence and biophysical properties (such as structural, functional, and spatial information, amino acid conservation, physicochemical variation, residue mobility, and thermodynamic stability) indicates that this missense variant is not expected to disrupt POLE protein function with a negative predictive value of 80%. In summary, the available evidence is currently insufficient to determine the role of this variant in disease. Therefore, it has been classified as a Variant of Uncertain Significance.

Ambry Genetics
Classification: Likely benign for Hereditary cancer-predisposing syndrome. Last evaluated: 2025-02-12. Review status: criteria provided, single submitter. Criteria: Ambry Variant Classification Scheme 2023. Collection method: clinical testing. Allele origin: germline.

Quest Diagnostics Nichols Institute San Juan Capistrano
Classification: Uncertain significance. Last evaluated: 2018-04-27. Review status: criteria provided, single submitter. Criteria: Quest Diagnostics criteria. Collection method: clinical testing. Allele origin: germline.